The following is an entry in ClinVar:

ClinVar aggregate classification (germline): Uncertain significance. Review status: criteria provided, multiple submitters, no conflicts (2 of 4 stars). 4 submissions from 4 submitters: Uncertain significance (3). 1 of the submissions does not count toward it. Last evaluated 2023-12-22.

Conditions:
Inborn genetic diseases. Identifiers: MedGen C0950123, MeSH D030342.
Neuronal ceroid lipofuscinosis 1 (CLN1). Also called: PPT1-Related Neuronal Ceroid-Lipofuscinosis; CEROID LIPOFUSCINOSIS, NEURONAL, 1, VARIABLE AGE AT ONSET. Identifiers: Orphanet 228329, MedGen C1850451, MONDO:0009744, OMIM 256730.

Allele frequency attached by ClinVar (database versions not stated): ExAC 0.00001; gnomAD 0.00002; gnomAD exomes 0.00002 and 0.00005; TOPMed 0.00003; ESP Exome Variant Server 0.00008.
gnomAD v4.1: 85 of 1,613,912 alleles (0.0053%); highest among the groups gnomAD compares: Non-Finnish European, 0.0064%; no homozygotes.

Submissions (4):

Ambry Genetics
Classification: Uncertain significance for Inborn genetic diseases. Last evaluated: 2023-12-22. Review status: criteria provided, single submitter. Criteria: Ambry Variant Classification Scheme 2023. Collection method: clinical testing. Allele origin: germline.

Labcorp Genetics (formerly Invitae), Labcorp
Classification: Uncertain significance for Neuronal ceroid lipofuscinosis 1. Last evaluated: 2022-07-03. Review status: criteria provided, single submitter. Criteria: Invitae Variant Classification Sherloc (09022015). Collection method: clinical testing. Allele origin: germline.
Comment: This sequence change replaces leucine, which is neutral and non-polar, with serine, which is neutral and polar, at codon 292 of the PPT1 protein (p.Leu292Ser). This variant is present in population databases (rs199708990, gnomAD 0.005%). This variant has not been reported in the literature in individuals affected with PPT1-related conditions. ClinVar contains an entry for this variant (Variation ID: 533951). Advanced modeling of protein sequence and biophysical properties (such as structural, functional, and spatial information, amino acid conservation, physicochemical variation, residue mobility, and thermodynamic stability) performed at Invitae indicates that this missense variant is expected to disrupt PPT1 protein function. In summary, the available evidence is currently insufficient to determine the role of this variant in disease. Therefore, it has been classified as a Variant of Uncertain Significance.

CeGaT Center for Human Genetics Tuebingen
Classification: Uncertain significance. Last evaluated: 2022-05-01. Review status: criteria provided, single submitter. Criteria: CeGaT Center For Human Genetics Tuebingen Variant Classification Criteria Version 2. Collection method: clinical testing. Allele origin: germline. Affected: yes. Observed: 1 variant allele.

Natera, Inc.
Classification: Uncertain significance for Neuronal ceroid lipofuscinosis 1. Last evaluated: 2020-08-16. Review status: no assertion criteria provided. Collection method: clinical testing. Allele origin: germline. Not counted in ClinVar's aggregate classification.

NM_000310.4(PPT1):c.875T>C (p.Leu292Ser)

Gene: PPT1 (palmitoyl-protein thioesterase 1; minus strand). Cytogenetic location: 1p34.2.
Variant type: single nucleotide variant.
Coding change: c.875T>C on transcript NM_000310.4 (MANE Select); coding-DNA position 875, T replaced by C.
Protein change: p.Leu292Ser; replaces leucine 292 with serine.
Molecular consequence: missense variant.
Genome position (GRCh38, 1-based): chr1:40,074,107, A>G on the plus strand (T>C on the coding strand, the complement: PPT1 is on the minus strand). VCF-style: chr1-40074107-A-G. GRCh37 (hg19) VCF-style: chr1-40539779-A-G.
Other names: c.566T>C, p.Leu189Ser (NM_001142604.2); c.803T>C, p.Leu268Ser (NM_001363695.2); short protein forms L292S, L189S, L268S.
Identifiers: ClinVar variation 533951 (VCV000533951.39), dbSNP rs199708990, ClinGen allele CA789544.